The following is an entry in ClinVar:

ClinVar aggregate classification (germline): Uncertain significance (1 of 4 stars; one submission).

Conditions:
Polycystic liver disease 1 (PCLD1). Also called: Polycystic liver disease 1 with or without kidney cysts. Identifiers: Orphanet 2924, MedGen C0887850, MONDO:0008265, OMIM 174050.

gnomAD v4.1: 1 of 1,582,916 alleles (0.000063%); highest among the groups gnomAD compares: East Asian, 0.0023%; no homozygotes.

Submission:

Juno Genomics, Hangzhou Juno Genomics, Inc
Classification: Uncertain significance for Polycystic liver disease 1. Review status: criteria provided, single submitter. Criteria: ACMG Guidelines, 2015. Collection method: clinical testing. Allele origin: germline. Affected: yes.
Comment: Absent from controls (or at extremely low frequency if recessive) in Genome Aggregation Database, Exome Sequencing Project, 1000 Genomes Project, or Exome Aggregation Consortium.

NM_001289104.2(PRKCSH):c.1043C>A (p.Pro348Gln)

Gene: PRKCSH (PRKCSH beta subunit of glucosidase II; plus strand). Cytogenetic location: 19p13.2.
Variant type: single nucleotide variant.
Coding change: c.1043C>A on transcript NM_001289104.2 (MANE Select); coding-DNA position 1043, C replaced by A.
Protein change: p.Pro348Gln; replaces proline 348 with glutamine.
Molecular consequence: missense variant. On other transcripts: intron variant (3).
Genome position (GRCh38, 1-based): chr19:11,447,706, C>A. VCF-style: chr19-11447706-C-A. GRCh37 (hg19) VCF-style: chr19-11558521-C-A.
Other names: c.1043C>A, p.Pro348Gln (NM_001289103.2); c.1022C>A, p.Pro341Gln (NM_001379608.1, NM_002743.3); c.1030-17C>A (NM_001379609.1, NM_001001329.3, NM_001289102.2); short protein forms P341Q, P348Q.
Identifiers: ClinVar variation 3383041 (VCV003383041.2).
Genomic context (GRCh38, chr19:11,447,706, plus strand): 5'-AGAGAGGGTGGGGGAAGGGCTACTCACTGACCCTGCCCCTGCCCCAGGAGGCCCCACCGC[C>A]ACTGTCACCCCCGCAGCCGGCCAGCCCTGCTGAGGAAGACAAAATGCCGCCCTACGACGA-3'
Protein context (NP_001276033.1, residues 338-358): QGEQPKEAPP[Pro348Gln]LSPPQPASPA